The following is an entry in ClinVar:

NM_198150.3(ARSK):c.964C>G (p.Arg322Gly)

Genes: ARSK (arylsulfatase family member K; plus strand), LOC126807455 (P300/CBP strongly-dependent group 1 enhancer GRCh37_chr5:94926949-94928148; plus strand). Cytogenetic location: 5q15.
Variant type: single nucleotide variant.
Coding change: c.964C>G on transcript NM_198150.3 (MANE Select); coding-DNA position 964, C replaced by G.
Protein change: p.Arg322Gly; replaces arginine 322 with glycine.
Molecular consequence: missense variant.
Genome position (GRCh38, 1-based): chr5:95,591,493, C>G. VCF-style: chr5-95591493-C-G. GRCh37 (hg19) VCF-style: chr5-94927197-C-G.
Other names: short protein forms R322G.
Identifiers: ClinVar variation 3377667 (VCV003377667.1).

ClinVar aggregate classification (germline): Uncertain significance (1 of 4 stars; one submission).

Conditions:
Mucopolysaccharidosis, type 10. Also called: ARYLSULFATASE K DEFICIENCY; ARSK DEFICIENCY. Identifiers: Orphanet 662216, MedGen C5562064, MONDO:0030524, OMIM 619698.

gnomAD v4.1: 16 of 1,614,016 alleles (0.00099%); highest among the groups gnomAD compares: South Asian, 0.016%; no homozygotes.

Submission:

Neuberg Centre For Genomic Medicine, NCGM
Classification: Uncertain significance for Mucopolysaccharidosis, type 10. Review status: criteria provided, single submitter. Criteria: ACMG Guidelines, 2015. Collection method: clinical testing. Allele origin: germline. Inheritance: Autosomal recessive inheritance. Affected: yes.
Comment: The observed missense c.964C>G (p.Arg322Gly) variant in ARSK gene has not been reported previously as a pathogenic variant nor as a benign variant, to our knowledge. The p.Arg322Gly variant is present with allele frequency of 0.002% in gnomAD Exomes. This variant has not been submitted to the ClinVar database. Computational evidence (Polyphen - Benign, SIFT - Tolerated and MutationTaster - Disease causing) predicts conflicting evidence on protein structure and function for this variant. The reference amino acid of p.Arg322Gly in ARSK is predicted as conserved by GERP++ and PhyloP across 100 vertebrates. The amino acid Arg at position 322 is changed to a Gly changing protein sequence and it might alter its composition and physico-chemical properties. For these reasons, this variant has been classified as a Variant of Uncertain Significance (VUS).